The following is an entry in ClinVar:

NM_001046.3(SLC12A2):c.45G>C (p.Leu15=)

Genes: SLC12A2 (solute carrier family 12 member 2; plus strand), LOC129994526 (ATAC-STARR-seq lymphoblastoid silent region 16295; plus strand). Cytogenetic location: 5q23.3.
Variant type: single nucleotide variant.
Coding change: c.45G>C on transcript NM_001046.3 (MANE Select); coding-DNA position 45, G replaced by C.
Protein change: p.Leu15=; no amino-acid change (leucine 15 retained).
Molecular consequence: synonymous variant. On other transcripts: non-coding transcript variant (1).
Genome position (GRCh38, 1-based): chr5:128,083,999, G>C. VCF-style: chr5-128083999-G-C. GRCh37 (hg19) VCF-style: chr5-127419691-G-C.
Other names: c.45G>C, p.Leu15= (NM_001256461.2).
Identifiers: ClinVar variation 3341716 (VCV003341716.16).
Genomic context (GRCh38, chr5:128,083,999, plus strand): 5'-CGGGGGTCGGGCAGCTATGGAGCCGCGGCCCACGGCGCCCTCCTCCGGCGCCCCGGGACT[G>C]GCCGGGGTCGGGGAGACGCCGTCAGCCGCTGCGCTGGCCGCAGCCAGGGTGGAACTGCCC-3'
Protein context (NP_001037.1, residues 5-25): PTAPSSGAPG[Leu15=]AGVGETPSAA

ClinVar aggregate classification (germline): Likely benign (1 of 4 stars; one submission).

gnomAD v4.1: 2 of 1,252,186 alleles (0.00016%); highest among the groups gnomAD compares: Non-Finnish European, 0.0001%; no homozygotes.

Submission:

CeGaT Center for Human Genetics Tuebingen
Classification: Likely benign. Last evaluated: 2024-08-01. Review status: criteria provided, single submitter. Criteria: CeGaT Center For Human Genetics Tuebingen Variant Classification Criteria Version 2. Collection method: clinical testing. Allele origin: germline. Affected: yes. Observed: 2 variant alleles.
Comment: SLC12A2: BP4, BP7